The following is an entry in ClinVar:

NM_005198.5(CHKB):c.184C>T (p.Arg62Cys)

Genes: CHKB (choline kinase beta; minus strand), CHKB-CPT1B (CHKB-CPT1B readthrough (NMD candidate); minus strand). Cytogenetic location: 22q13.33.
Variant type: single nucleotide variant.
Coding change: c.184C>T on transcript NM_005198.5 (MANE Select); coding-DNA position 184, C replaced by T.
Protein change: p.Arg62Cys; replaces arginine 62 with cysteine.
Molecular consequence: missense variant. On other transcripts: non-coding transcript variant (1).
Genome position (GRCh38, 1-based): chr22:50,582,598, G>A on the plus strand (C>T on the coding strand, the complement: CHKB is on the minus strand). VCF-style: chr22-50582598-G-A. GRCh37 (hg19) VCF-style: chr22-51021027-G-A.
Other names: c.184C>T (NM_005198.4); short protein forms R62C.
Identifiers: ClinVar variation 1010455 (VCV001010455.6), dbSNP rs147043849, ClinGen allele CA10323891.

ClinVar aggregate classification (germline): Uncertain significance. Review status: criteria provided, multiple submitters, no conflicts (2 of 4 stars). 2 submissions from 2 submitters: Uncertain significance (2). Last evaluated 2024-02-28.

Conditions:
Megaconial type congenital muscular dystrophy (MDCMC). Also called: CHKB-Related Muscular Dystrophy; MUSCULAR DYSTROPHY, CONGENITAL, WITH MITOCHONDRIAL STRUCTURAL ABNORMALITIES; CHKB-Related Muscle Diseases. Identifiers: Orphanet 280671, MedGen C1865233, MONDO:0011246, OMIM 602541.
Inborn genetic diseases. Identifiers: MedGen C0950123, MeSH D030342.

Allele frequency attached by ClinVar (database versions not stated): gnomAD exomes 0.00001 and 0.00013; ExAC 0.00002; gnomAD 0.00004; TOPMed 0.00005; ESP Exome Variant Server 0.00031.

Submissions (2):

Ambry Genetics
Classification: Uncertain significance for Inborn genetic diseases. Last evaluated: 2024-02-28. Review status: criteria provided, single submitter. Criteria: Ambry Variant Classification Scheme 2023. Collection method: clinical testing. Allele origin: germline.

Labcorp Genetics (formerly Invitae), Labcorp
Classification: Uncertain significance for Megaconial type congenital muscular dystrophy. Last evaluated: 2022-03-23. Review status: criteria provided, single submitter. Criteria: Invitae Variant Classification Sherloc (09022015). Collection method: clinical testing. Allele origin: germline.
Comment: This sequence change replaces arginine, which is basic and polar, with cysteine, which is neutral and slightly polar, at codon 62 of the CHKB protein (p.Arg62Cys). This variant is present in population databases (rs147043849, gnomAD 0.005%). This variant has not been reported in the literature in individuals affected with CHKB-related conditions. ClinVar contains an entry for this variant (Variation ID: 1010455). Algorithms developed to predict the effect of missense changes on protein structure and function are either unavailable or do not agree on the potential impact of this missense change (SIFT: "Deleterious"; PolyPhen-2: "Possibly Damaging"; Align-GVGD: "Class C0"). Algorithms developed to predict the effect of sequence changes on RNA splicing suggest that this variant may create or strengthen a splice site. In summary, the available evidence is currently insufficient to determine the role of this variant in disease. Therefore, it has been classified as a Variant of Uncertain Significance.